The following is an entry in ClinVar:

NM_001148.6(ANK2):c.231G>A (p.Val77=)

Gene: ANK2 (ankyrin 2; plus strand). Cytogenetic location: 4q25.
Variant type: single nucleotide variant.
Coding change: c.231G>A on transcript NM_001148.6 (MANE Select); coding-DNA position 231, G replaced by A.
Protein change: p.Val77=; no amino-acid change (valine 77 retained).
Molecular consequence: synonymous variant.
Genome position (GRCh38, 1-based): chr4:113,196,412, G>A. VCF-style: chr4-113196412-G-A. GRCh37 (hg19) VCF-style: chr4-114117568-G-A.
Other names: p.Val77=; c.231G>A (NM_020977.4); c.168G>A, p.Val56= (NM_001127493.3, NM_001354239.2, NM_001354243.2 and 33 more transcripts); c.231G>A, p.Val77= (NM_001354225.2, NM_001354228.2, NM_001354232.2 and 9 more transcripts); c.276G>A, p.Val92= (NM_001354230.2, NM_001354231.2, NM_001354237.2 and 5 more transcripts); c.213G>A, p.Val71= (NM_001354261.2, NM_001386147.1, NM_001386160.1); c.219G>A, p.Val73= (NM_001354269.3, NM_001386148.2, NM_001386186.2 and 1 more transcripts); c.282G>A, p.Val94= (NM_001386174.1, NM_001386175.1).
Identifiers: ClinVar variation 413949 (VCV000413949.87), dbSNP rs149699185, ClinGen allele CA3049971.

ClinVar aggregate classification (germline): Conflicting classifications of pathogenicity. Review status: criteria provided, conflicting classifications (1 of 4 stars). 12 submissions from 12 submitters: Uncertain significance (1); Benign (2); Likely benign (6). 3 of the submissions do not count toward it. Last evaluated 2026-04-01.

Conditions:
ANK2-related disorder. Also called: ANK2-related condition.
Cardiovascular phenotype. Identifiers: MedGen CN230736.
Long QT syndrome (LQTS). Identifiers: MedGen C0023976, MeSH D008133, MONDO:0002442. Disease mechanism: loss of function. Inheritance: Various modes of inheritance.
Cardiac arrhythmia, ankyrin-B-related. Also called: ANKYRIN-B SYNDROME. Identifiers: Orphanet 101016, Orphanet 768, MedGen C1970119, MONDO:0010958, OMIM 600919.

Allele frequency attached by ClinVar (database versions not stated): TOPMed 0.00032; ESP Exome Variant Server 0.00046; gnomAD 0.00046 and 0.00049.
gnomAD v4.1: 932 of 1,613,724 alleles (0.058%); highest among the groups gnomAD compares: Non-Finnish European, 0.075%; no homozygotes.

Submissions (12):

CeGaT Center for Human Genetics Tuebingen
Classification: Likely benign. Last evaluated: 2026-04-01. Review status: criteria provided, single submitter. Criteria: CeGaT Center For Human Genetics Tuebingen Variant Classification Criteria Version 2. Collection method: clinical testing. Allele origin: germline. Affected: yes. Observed: 3 variant alleles.
Comment: ANK2: BP4

Labcorp Genetics (formerly Invitae), Labcorp
Classification: Likely benign for Long QT syndrome. Last evaluated: 2025-12-13. Review status: criteria provided, single submitter. Criteria: Invitae Variant Classification Sherloc (09022015). Collection method: clinical testing. Allele origin: germline.

Mayo Clinic Laboratories, Mayo Clinic
Classification: Likely benign. Last evaluated: 2025-01-20. Review status: criteria provided, single submitter. Criteria: ACMG Guidelines, 2015. Collection method: clinical testing. Allele origin: germline. Observed: 2 variant alleles.
Comment: BS1, BP4, BP7

Blueprint Genetics
Classification: Likely benign. Last evaluated: 2024-09-12. Review status: criteria provided, single submitter. Criteria: ACMG Guidelines, 2015. Collection method: clinical testing. Allele origin: germline.

ARUP Laboratories, Molecular Genetics and Genomics, ARUP Laboratories
Classification: Likely benign. Last evaluated: 2023-11-09. Review status: criteria provided, single submitter. Criteria: ARUP Molecular Germline Variant Investigation Process 2024. Collection method: clinical testing. Allele origin: germline.

Women's Health and Genetics/Laboratory Corporation of America, LabCorp
Classification: Benign. Last evaluated: 2020-01-06. Review status: criteria provided, single submitter. Criteria: LabCorp Variant Classification Summary - May 2015. Collection method: clinical testing. Allele origin: germline.

Illumina Laboratory Services, Illumina
Classification: Uncertain significance for Cardiac arrhythmia, ankyrin-B-related. Last evaluated: 2018-01-12. Review status: criteria provided, single submitter. Criteria: ICSL Variant Classification Criteria 13 December 2019. Collection method: clinical testing. Allele origin: germline.

Ambry Genetics
Classification: Likely benign for Cardiovascular phenotype. Last evaluated: 2017-01-04. Review status: criteria provided, single submitter. Criteria: Ambry Variant Classification Scheme 2023. Collection method: clinical testing. Allele origin: germline.

GeneDx
Classification: Benign. Last evaluated: 2015-03-03. Review status: criteria provided, single submitter. Criteria: GeneDx Variant Classification Process June 2021. Collection method: clinical testing. Allele origin: germline. Affected: yes.

PreventionGenetics, part of Exact Sciences
Classification: Likely benign for ANK2-related condition. Last evaluated: 2021-05-11. Review status: no assertion criteria provided. Collection method: clinical testing. Allele origin: germline. Not counted in ClinVar's aggregate classification.
Comment: This variant is classified as likely benign based on ACMG/AMP sequence variant interpretation guidelines (Richards et al. 2015 PMID: 25741868, with internal and published modifications).

Genome Diagnostics Laboratory, University Medical Center Utrecht
Classification: Likely benign. Review status: no assertion criteria provided. Collection method: clinical testing. Allele origin: germline. Affected: yes. Study: VKGL Data-share Consensus. Not counted in ClinVar's aggregate classification.

Joint Genome Diagnostic Labs from Nijmegen and Maastricht, Radboudumc and MUMC+
Classification: Likely benign. Review status: no assertion criteria provided. Collection method: clinical testing. Allele origin: germline. Affected: yes. Study: VKGL Data-share Consensus. Not counted in ClinVar's aggregate classification.